The following is an entry in ClinVar:

NM_002693.3(POLG):c.1315C>T (p.Gln439Ter)

Gene: POLG (DNA polymerase gamma, catalytic subunit; minus strand). Cytogenetic location: 15q26.1.
Variant type: single nucleotide variant.
Coding change: c.1315C>T on transcript NM_002693.3 (MANE Select); coding-DNA position 1315, C replaced by T.
Protein change: p.Gln439Ter; replaces glutamine 439 with a stop codon.
Molecular consequence: nonsense.
Genome position (GRCh38, 1-based): chr15:89,327,285, G>A on the plus strand (C>T on the coding strand, the complement: POLG is on the minus strand). VCF-style: chr15-89327285-G-A. GRCh37 (hg19) VCF-style: chr15-89870516-G-A.
Other names: c.1315C>T, p.Gln439Ter (NM_001126131.2); short protein forms Q439*.
Identifiers: ClinVar variation 4764841 (VCV004764841.1).
Genomic context (GRCh38, chr15:89,327,285, plus strand): 5'-TCTCCCGCTGGAGCTCCTCATAAGTGCCCTGTGCCTCTGCCAGGTAACGCTCCCAGTTCT[G>A]GTTGACAGGCAGGTAGGAGACACCCATCTCCAGCATGCCGGCCAGAGTCACTGGGTGGGG-3'

ClinVar aggregate classification (germline): Pathogenic (1 of 4 stars; one submission).

Conditions:
Progressive sclerosing poliodystrophy (MTDPS4A). Also called: Mitochondrial DNA depletion syndrome 4A (Alpers type); ALPERS DIFFUSE DEGENERATION OF CEREBRAL GRAY MATTER WITH HEPATIC CIRRHOSIS; Alpers-Huttenlocher Syndrome; Mitochondrial DNA Depletion Syndrome 4A; Alpers-Huttenlocher Syndrome (AHS); ALPERS PROGRESSIVE INFANTILE POLIODYSTROPHY. Identifiers: Orphanet 726, MedGen C0205710, MONDO:0008758, OMIM 203700.

Submission:

Labcorp Genetics (formerly Invitae), Labcorp
Classification: Pathogenic for Progressive sclerosing poliodystrophy. Last evaluated: 2025-03-16. Review status: criteria provided, single submitter. Criteria: Invitae Variant Classification Sherloc (09022015). Collection method: clinical testing. Allele origin: germline.
Comment: This sequence change creates a premature translational stop signal (p.Gln439*) in the POLG gene. It is expected to result in an absent or disrupted protein product. Loss-of-function variants in POLG are known to be pathogenic (PMID: 18546365). This variant is not present in population databases (gnomAD no frequency). This variant has not been reported in the literature in individuals affected with POLG-related conditions. For these reasons, this variant has been classified as Pathogenic.

Literature cited by the submitters: PubMed 18546365.